The following is an entry in ClinVar:

NM_004415.4(DSP):c.1675A>G (p.Lys559Glu)

Gene: DSP (desmoplakin; plus strand). Cytogenetic location: 6p24.3.
Variant type: single nucleotide variant.
Coding change: c.1675A>G on transcript NM_004415.4 (MANE Select); coding-DNA position 1675, A replaced by G.
Protein change: p.Lys559Glu; replaces lysine 559 with glutamic acid.
Molecular consequence: missense variant.
Genome position (GRCh38, 1-based): chr6:7,570,537, A>G. VCF-style: chr6-7570537-A-G. GRCh37 (hg19) VCF-style: chr6-7570770-A-G.
Other names: c.1675A>G, p.Lys559Glu (NM_001008844.3, NM_001319034.2); short protein forms K559E.
Identifiers: ClinVar variation 2945359 (VCV002945359.3), dbSNP rs2533890621, ClinGen allele CA362678424.
Genomic context (GRCh38, chr6:7,570,537, plus strand): 5'-CAGCTCTACATCAACATGAAGAGCCTGGTGTCCTGGCACTACTGCATGATTGACATAGAG[A>G]AGATCAGGGCCATGACAATCGCCAAGGTATGTCCTCAGGGCCACTTAGGCTGCCTGGAGG-3'
Protein context (NP_004406.2, residues 549-569): SWHYCMIDIE[Lys559Glu]IRAMTIAKLK

ClinVar aggregate classification (germline): Uncertain significance (1 of 4 stars; one submission).

Conditions:
Arrhythmogenic cardiomyopathy with wooly hair and keratoderma. Also called: Dilated cardiomyopathy with woolly hair and keratoderma; PALMOPLANTAR KERATODERMA WITH LEFT VENTRICULAR CARDIOMYOPATHY AND WOOLLY HAIR; Carvajal syndrome; Arrhythmogenic cardiomyopathy with woolly hair and keratoderma. Identifiers: Orphanet 65282, MedGen C1854063, MONDO:0011581, OMIM 605676.
Arrhythmogenic right ventricular dysplasia 8 (ARVD8). Also called: Arrhythmogenic Right Ventricular Dysplasia/Cardiomyopathy 8; ARRHYTHMOGENIC RIGHT VENTRICULAR DYSPLASIA, FAMILIAL, 8; ARRHYTHMOGENIC RIGHT VENTRICULAR CARDIOMYOPATHY 8. Identifiers: MedGen C1843896, MONDO:0011831, OMIM 607450.

Submission:

Labcorp Genetics (formerly Invitae), Labcorp
Classification: Uncertain significance for Arrhythmogenic cardiomyopathy with wooly hair and keratoderma; Arrhythmogenic right ventricular dysplasia 8. Last evaluated: 2026-01-19. Review status: criteria provided, single submitter. Criteria: Invitae Variant Classification Sherloc (09022015). Collection method: clinical testing. Allele origin: germline.
Comment: This sequence change replaces lysine, which is basic and polar, with glutamic acid, which is acidic and polar, at codon 559 of the DSP protein (p.Lys559Glu). This variant is not present in population databases (gnomAD no frequency). This variant has not been reported in the literature in individuals affected with DSP-related conditions. ClinVar contains an entry for this variant (Variation ID: 2945359). An algorithm developed to predict the effect of missense changes on protein structure and function (PolyPhen-2) suggests that this variant is likely to be disruptive. In summary, the available evidence is currently insufficient to determine the role of this variant in disease. Therefore, it has been classified as a Variant of Uncertain Significance.